The following is an entry in ClinVar:

ClinVar aggregate classification (germline): Uncertain significance (1 of 4 stars; one submission).

Allele frequency attached by ClinVar (database versions not stated): gnomAD 0.00001; gnomAD exomes 0.00001; TOPMed 0.00002.
gnomAD v4.1: 8 of 1,603,192 alleles (0.0005%); highest among the groups gnomAD compares: South Asian, 0.0022%; no homozygotes.

Submission:

Labcorp Genetics (formerly Invitae), Labcorp
Classification: Uncertain significance. Last evaluated: 2022-03-20. Review status: criteria provided, single submitter. Criteria: Invitae Variant Classification Sherloc (09022015). Collection method: clinical testing. Allele origin: germline.
Comment: This sequence change replaces threonine, which is neutral and polar, with methionine, which is neutral and non-polar, at codon 799 of the CDH23 protein (p.Thr799Met). This variant is not present in population databases (gnomAD no frequency). This variant has not been reported in the literature in individuals affected with CDH23-related conditions. Algorithms developed to predict the effect of missense changes on protein structure and function are either unavailable or do not agree on the potential impact of this missense change (SIFT: "Deleterious"; PolyPhen-2: "Not Available"; Align-GVGD: "Class C65"). Algorithms developed to predict the effect of sequence changes on RNA splicing suggest that this variant may disrupt the consensus splice site. In summary, the available evidence is currently insufficient to determine the role of this variant in disease. Therefore, it has been classified as a Variant of Uncertain Significance.

NM_022124.6(CDH23):c.2396C>T (p.Thr799Met)

Gene: CDH23 (cadherin related 23; plus strand). Cytogenetic location: 10q22.1.
Variant type: single nucleotide variant.
Coding change: c.2396C>T on transcript NM_022124.6 (MANE Select); coding-DNA position 2396, C replaced by T.
Protein change: p.Thr799Met; replaces threonine 799 with methionine.
Molecular consequence: missense variant.
Genome position (GRCh38, 1-based): chr10:71,695,524, C>T. VCF-style: chr10-71695524-C-T. GRCh37 (hg19) VCF-style: chr10-73455281-C-T.
Other names: c.2396C>T, p.Thr799Met (NM_001171930.2, NM_001171931.2); short protein forms T799M.
Identifiers: ClinVar variation 2163514 (VCV002163514.1), dbSNP rs1183057001, ClinGen allele CA377136810.